The following is an entry in ClinVar:

ClinVar aggregate classification (germline): Likely benign. Review status: criteria provided, multiple submitters, no conflicts (2 of 4 stars). 3 submissions from 3 submitters: Likely benign (3). Last evaluated 2026-01-05.

Conditions:
PRPF8-related disorder. Also called: PRPF8-related condition.

Allele frequency attached by ClinVar (database versions not stated): ESP Exome Variant Server 0.00008; gnomAD exomes 0.00008 and 0.00009; 1000 Genomes Project 0.00020; 1000 Genomes Project 30x 0.00031; gnomAD 0.00001 and 0.00002; TOPMed 0.00003; ExAC 0.00007.
gnomAD v4.1: 119 of 1,614,230 alleles (0.0074%); highest among the groups gnomAD compares: Admixed American, 0.028%; 1 homozygote.

Submissions (3):

Labcorp Genetics (formerly Invitae), Labcorp
Classification: Likely benign. Last evaluated: 2026-01-05. Review status: criteria provided, single submitter. Criteria: Invitae Variant Classification Sherloc (09022015). Collection method: clinical testing. Allele origin: germline.

PreventionGenetics, part of Exact Sciences
Classification: Likely benign for PRPF8-related condition. Last evaluated: 2024-10-10. Review status: criteria provided, single submitter. Criteria: ACMG Guidelines, 2015. Collection method: clinical testing. Allele origin: germline.
Comment: This variant is classified as likely benign based on ACMG/AMP sequence variant interpretation guidelines (Richards et al. 2015 PMID: 25741868, with internal and published modifications).

Blueprint Genetics
Classification: Likely benign. Last evaluated: 2023-12-15. Review status: criteria provided, single submitter. Criteria: ACMG Guidelines, 2015. Collection method: clinical testing. Allele origin: germline.

NM_006445.4(PRPF8):c.4107C>T (p.Tyr1369=)

Gene: PRPF8 (pre-mRNA processing factor 8; minus strand). Cytogenetic location: 17p13.3.
Variant type: single nucleotide variant.
Coding change: c.4107C>T on transcript NM_006445.4 (MANE Select); coding-DNA position 4107, C replaced by T.
Protein change: p.Tyr1369=; no amino-acid change (tyrosine 1369 retained).
Molecular consequence: synonymous variant.
Genome position (GRCh38, 1-based): chr17:1,661,706, G>A on the plus strand (C>T on the coding strand, the complement: PRPF8 is on the minus strand). VCF-style: chr17-1661706-G-A. GRCh37 (hg19) VCF-style: chr17-1565000-G-A.
Other names: c.4107C>T (NM_006445.3).
Identifiers: ClinVar variation 1530870 (VCV001530870.10), dbSNP rs181211897, ClinGen allele CA8271729.
Genomic context (GRCh38, chr17:1,661,706, plus strand): 5'-GTACTCAGCCCAGACCCGCTGAGAATCAATGAACTCGCTCTCCCATGGCTGTATGTAGCG[G>A]TACAAGTTGGGAATGAGCTGGTCTTCTTCATGGCTCATTCCTGAACGAAAGTGTGTGATA-3'
Protein context (NP_006436.3, residues 1359-1379): HEEDQLIPNL[Tyr1369=]RYIQPWESEF